The following is an entry in ClinVar:

ClinVar aggregate classification (germline): Pathogenic (1 of 4 stars; one submission).

Conditions:
Multiple endocrine neoplasia, type 2 (MEN2). Identifiers: Orphanet 653, MedGen C4048306, MONDO:0019003. Disease mechanism: gain of function.

Submission:

Labcorp Genetics (formerly Invitae), Labcorp
Classification: Pathogenic for Multiple endocrine neoplasia, type 2. Last evaluated: 2021-07-21. Review status: criteria provided, single submitter. Criteria: Invitae Variant Classification Sherloc (09022015). Collection method: clinical testing. Allele origin: germline.
Comment: This variant is not present in population databases (ExAC no frequency). This variant has not been reported in the literature in individuals affected with RET-related conditions. For these reasons, this variant has been classified as Pathogenic. This sequence change creates a premature translational stop signal (p.Trp106*) in the RET gene. It is expected to result in an absent or disrupted protein product. Loss-of-function variants in RET are known to be pathogenic (PMID: 22174939, 22648184).

Literature cited by the submitters: PubMed 22174939; PubMed 22648184.

NM_020975.6(RET):c.317G>A (p.Trp106Ter)

Gene: RET (ret proto-oncogene; plus strand). Cytogenetic location: 10q11.21.
Variant type: single nucleotide variant.
Coding change: c.317G>A on transcript NM_020975.6 (MANE Select); coding-DNA position 317, G replaced by A.
Protein change: p.Trp106Ter; replaces tryptophan 106 with a stop codon.
Molecular consequence: nonsense.
Genome position (GRCh38, 1-based): chr10:43,100,702, G>A. VCF-style: chr10-43100702-G-A. GRCh37 (hg19) VCF-style: chr10-43596150-G-A.
Other names: c.317G>A, p.Trp106Ter (NM_000323.2, NM_001406743.1, NM_001406744.1 and 34 more transcripts); short protein forms W106*.
Identifiers: ClinVar variation 1405715 (VCV001405715.7), dbSNP rs2132664970, ClinGen allele CA376770558.
Genomic context (GRCh38, chr10:43,100,702, plus strand): 5'-TCTGCATCCAGGAGGACACCGGCCTCCTCTACCTTAACCGGAGCCTGGACCATAGCTCCT[G>A]GGAGAAGCTCAGTGTCCGCAGTAAGGGAGCCGCCCCAACACCCACCCCGTGCCCCACCCC-3'